The following is an entry in ClinVar:

NM_000535.7(PMS2):c.1809T>A (p.Ser603=)

Gene: PMS2 (PMS1 homolog 2, mismatch repair system component; minus strand). Cytogenetic location: 7p22.1.
Variant type: single nucleotide variant.
Coding change: c.1809T>A on transcript NM_000535.7 (MANE Select); coding-DNA position 1809, T replaced by A.
Protein change: p.Ser603=; no amino-acid change (serine 603 retained).
Molecular consequence: synonymous variant. On other transcripts: non-coding transcript variant (1), intron variant (1).
Genome position (GRCh38, 1-based): chr7:5,986,956, A>T on the plus strand (T>A on the coding strand, the complement: PMS2 is on the minus strand). VCF-style: chr7-5986956-A-T. GRCh37 (hg19) VCF-style: chr7-6026587-A-T.
Other names: c.1404T>A, p.Ser468= (NM_001322003.2, NM_001322004.2, NM_001322005.2 and 16 more transcripts); c.1653T>A, p.Ser551= (NM_001322006.2, NM_001406870.1); c.1491T>A, p.Ser497= (NM_001322007.2, NM_001322008.2, NM_001406876.1 and 2 more transcripts); c.1248T>A, p.Ser416= (NM_001322010.2, NM_001406906.1, NM_001406907.1); c.876T>A, p.Ser292= (NM_001322011.2, NM_001322012.2); c.1236T>A, p.Ser412= (NM_001322013.2, NM_001406909.1); c.1809T>A, p.Ser603= (NM_001322014.2, NM_001406871.1, NM_001406872.1); c.1500T>A, p.Ser500= (NM_001322015.2, NM_001406875.1, NM_001406877.1 and 5 more transcripts); and 13 more.
Identifiers: ClinVar variation 3903749 (VCV003903749.1).

ClinVar aggregate classification (germline): Benign (1 of 4 stars; one submission).

Conditions:
Lynch syndrome 4 (LYNCH4). Also called: Colorectal cancer, hereditary nonpolyposis, type 4; Hereditary non-polyposis colorectal cancer, type 4. Identifiers: Orphanet 144, MedGen C1838333, MONDO:0013699, OMIM 614337. Disease mechanism: loss of function.

Submission:

Myriad Genetics, Inc.
Classification: Benign for Lynch syndrome 4. Last evaluated: 2025-01-31. Review status: criteria provided, single submitter. Criteria: Myriad Autosomal Dominant, Autosomal Recessive and X-Linked Classification Criteria (2023). Collection method: clinical testing. Allele origin: unknown.
Comment: This variant is considered benign. This variant is a silent/synonymous amino acid change and it is not expected to impact splicing.